The following is an entry in ClinVar:

NM_020041.3(SLC2A9):c.899G>A (p.Arg300His)

Gene: SLC2A9 (solute carrier family 2 member 9; minus strand). Cytogenetic location: 4p16.1.
Variant type: single nucleotide variant.
Coding change: c.899G>A on transcript NM_020041.3 (MANE Select); coding-DNA position 899, G replaced by A.
Protein change: p.Arg300His; replaces arginine 300 with histidine.
Molecular consequence: missense variant.
Genome position (GRCh38, 1-based): chr4:9,920,488, C>T on the plus strand (G>A on the coding strand, the complement: SLC2A9 is on the minus strand). VCF-style: chr4-9920488-C-T. GRCh37 (hg19) VCF-style: chr4-9922112-C-T.
Other names: c.812G>A, p.Arg271His (NM_001001290.2); short protein forms R300H, R271H.
Identifiers: ClinVar variation 350210 (VCV000350210.41), dbSNP rs145688560, ClinGen allele CA2857042.

ClinVar aggregate classification (germline): Benign/Likely benign. Review status: criteria provided, multiple submitters, no conflicts (2 of 4 stars). 6 submissions from 6 submitters: Benign (1); Likely benign (4). 1 of the submissions does not count toward it. Last evaluated 2025-12-30.

Conditions:
SLC2A9-related disorder. Also called: SLC2A9-related condition.
Hypouricemia, renal, 2. Also called: HYPOURICEMIA, RENAL, 2, AUTOSOMAL DOMINANT; HYPOURICEMIA, RENAL, 2, AUTOSOMAL RECESSIVE. Identifiers: MedGen C2677549, MONDO:0012793, OMIM 612076.

Allele frequency attached by ClinVar (database versions not stated): 1000 Genomes Project 30x 0.00219; 1000 Genomes Project 0.00220; ESP Exome Variant Server 0.00231; TOPMed 0.00281; ExAC 0.00315; gnomAD 0.00315; gnomAD exomes 0.00336.
gnomAD v4.1: 6,793 of 1,614,158 alleles (0.42%); highest among the groups gnomAD compares: Non-Finnish European, 0.48%; 28 homozygotes.

Submissions (6):

Labcorp Genetics (formerly Invitae), Labcorp
Classification: Likely benign. Last evaluated: 2025-12-30. Review status: criteria provided, single submitter. Criteria: Invitae Variant Classification Sherloc (09022015). Collection method: clinical testing. Allele origin: germline.

Blueprint Genetics
Classification: Likely benign. Last evaluated: 2024-11-26. Review status: criteria provided, single submitter. Criteria: ACMG Guidelines, 2015. Collection method: clinical testing. Allele origin: germline.

CeGaT Center for Human Genetics Tuebingen
Classification: Likely benign. Last evaluated: 2023-09-01. Review status: criteria provided, single submitter. Criteria: CeGaT Center For Human Genetics Tuebingen Variant Classification Criteria Version 2. Collection method: clinical testing. Allele origin: germline. Affected: yes. Observed: 1 variant allele.
Comment: SLC2A9: BP4, BS2

Illumina Laboratory Services, Illumina
Classification: Benign for Hypouricemia, renal, 2. Last evaluated: 2018-01-13. Review status: criteria provided, single submitter. Criteria: ICSL Variant Classification Criteria 13 December 2019. Collection method: clinical testing. Allele origin: germline.
Comment: This variant was observed in the ICSL laboratory as part of a predisposition screen in an ostensibly healthy population. It had not been previously curated by ICSL or reported in the Human Gene Mutation Database (HGMD: prior to June 1st, 2018), and was therefore a candidate for classification through an automated scoring system. Utilizing variant allele frequency, disease prevalence and penetrance estimates, and inheritance mode, an automated score was calculated to assess if this variant is too frequent to cause the disease. Based on the score and internal cut-off values, a variant classified as benign is not then subjected to further curation. The score for this variant resulted in a classification of benign for this disease.

Breakthrough Genomics
Classification: Likely benign. Review status: criteria provided, single submitter. Criteria: ACMG Guidelines, 2015. Collection method: not provided. Allele origin: germline. Inheritance: Autosomal dominant inheritance. Affected: yes.

PreventionGenetics, part of Exact Sciences
Classification: Benign for SLC2A9-related condition. Last evaluated: 2019-09-19. Review status: no assertion criteria provided. Collection method: clinical testing. Allele origin: germline. Not counted in ClinVar's aggregate classification.
Comment: This variant is classified as benign based on ACMG/AMP sequence variant interpretation guidelines (Richards et al. 2015 PMID: 25741868, with internal and published modifications).